The following is an entry in ClinVar:

NM_002474.3(MYH11):c.5416G>A (p.Gly1806Arg)

Genes: NDE1 (nudE neurodevelopment protein 1; plus strand), MYH11 (myosin heavy chain 11; minus strand). Cytogenetic location: 16p13.11.
Variant type: single nucleotide variant.
Coding change: c.5416G>A on transcript NM_002474.3 (MANE Select); coding-DNA position 5416, G replaced by A.
Protein change: p.Gly1806Arg; replaces glycine 1806 with arginine.
Molecular consequence: missense variant. On other transcripts: intron variant (2).
Genome position (GRCh38, 1-based): chr16:15,717,228, C>T on the plus strand (G>A on the coding strand, the complement: MYH11 is on the minus strand). VCF-style: chr16-15717228-C-T. GRCh37 (hg19) VCF-style: chr16-15811085-C-T.
Other names: c.5437G>A, p.Gly1813Arg (NM_001040113.2, NM_001040114.2); c.5416G>A, p.Gly1806Arg (NM_022844.3); c.948-6963C>T (NM_001143979.2, NM_017668.3); short protein forms G1806R, G1813R.
Identifiers: ClinVar variation 1171894 (VCV001171894.6), dbSNP rs1384372336, ClinGen allele CA394848936.

ClinVar aggregate classification (germline): Uncertain significance. Review status: criteria provided, multiple submitters, no conflicts (2 of 4 stars). 2 submissions from 2 submitters: Uncertain significance (2). Last evaluated 2024-09-23.

Conditions:
Familial thoracic aortic aneurysm and aortic dissection (TAAD). Also called: Thoracic aortic aneurysms and dissections. Identifiers: Orphanet 91387, MedGen C4707243, MONDO:0019625.

Allele frequency attached by ClinVar (database versions not stated): gnomAD exomes below 0.00001; gnomAD 0.00001; TOPMed 0.00001.
gnomAD v4.1: 2 of 1,614,076 alleles (0.00012%); highest among the groups gnomAD compares: Non-Finnish European, 0.00017%; no homozygotes.

Submissions (2):

All of Us Research Program, National Institutes of Health
Classification: Uncertain significance for Familial thoracic aortic aneurysm and aortic dissection. Last evaluated: 2024-09-23. Review status: criteria provided, single submitter. Criteria: ACMG Guidelines, 2015. Collection method: clinical testing. Allele origin: germline. Inheritance: Autosomal dominant inheritance. Observed: 2 variant alleles, 2 heterozygotes.
Comment: This missense variant replaces glycine with arginine at codon 1813 of the MYH11 protein. Computational prediction is inconclusive regarding the impact of this variant on protein structure and function (internally defined REVEL score threshold 0.5 < inconclusive < 0.7, PMID: 27666373). To our knowledge, functional studies have not been reported for this variant. This variant has not been reported in individuals affected with cardiovascular disorders in the literature. This variant has been identified in 1/251356 chromosomes in the general population by the Genome Aggregation Database (gnomAD). The available evidence is insufficient to determine the role of this variant in disease conclusively. Therefore, this variant is classified as a Variant of Uncertain Significance.

This study involves interpretation of variants in research participants for the purpose of population health screening. Participant phenotype was not available at the time of variant classification. Additional details can be found in publication PMID: 35346344, PMCID: PMC8962531

Color Diagnostics, LLC DBA Color Health
Classification: Uncertain significance for Familial thoracic aortic aneurysm and aortic dissection. Last evaluated: 2024-03-07. Review status: criteria provided, single submitter. Criteria: ACMG Guidelines, 2015. Collection method: clinical testing. Allele origin: germline.
Comment: This missense variant replaces glycine with arginine at codon 1813 of the MYH11 protein. Computational prediction is inconclusive regarding the impact of this variant on protein structure and function (internally defined REVEL score threshold 0.5 < inconclusive < 0.7, PMID: 27666373). To our knowledge, functional studies have not been reported for this variant. This variant has not been reported in individuals affected with MYH11-related disorders in the literature. This variant has been identified in 1/251356 chromosomes in the general population by the Genome Aggregation Database (gnomAD). The available evidence is insufficient to determine the role of this variant in disease conclusively. Therefore, this variant is classified as a Variant of Uncertain Significance.